The following is an entry in ClinVar:

NM_001093.4(ACACB):c.1467C>A (p.Ile489=)

Gene: ACACB (acetyl-CoA carboxylase beta; plus strand). Cytogenetic location: 12q24.11.
Variant type: single nucleotide variant.
Coding change: c.1467C>A on transcript NM_001093.4 (MANE Select); coding-DNA position 1467, C replaced by A.
Protein change: p.Ile489=; no amino-acid change (isoleucine 489 retained).
Molecular consequence: synonymous variant.
Genome position (GRCh38, 1-based): chr12:109,179,117, C>A. VCF-style: chr12-109179117-C-A. GRCh37 (hg19) VCF-style: chr12-109616922-C-A.
Other names: c.1467C>A (NM_001093.3).
Identifiers: ClinVar variation 806933 (VCV000806933.43), dbSNP rs555723310, ClinGen allele CA6773302.

ClinVar aggregate classification (germline): Uncertain significance. Review status: criteria provided, single submitter (1 of 4 stars). 2 submissions from 2 submitters: Uncertain significance (1). 1 of the submissions does not count toward it. Last evaluated 2019-01-01.

Conditions:
ACACB-related disorder. Also called: ACACB-related condition.

Allele frequency attached by ClinVar (database versions not stated): TOPMed 0.00010; ExAC 0.00126; 1000 Genomes Project 30x 0.00156; 1000 Genomes Project 0.00160.
gnomAD v4.1: 728 of 1,613,748 alleles (0.045%); highest among the groups gnomAD compares: South Asian, 0.7%; 4 homozygotes.

Submissions (2):

CeGaT Center for Human Genetics Tuebingen
Classification: Uncertain significance. Last evaluated: 2019-01-01. Review status: criteria provided, single submitter. Criteria: CeGaT Center For Human Genetics Tuebingen Variant Classification Criteria Version 2. Collection method: clinical testing. Allele origin: germline. Affected: yes. Observed: 3 variant alleles.

PreventionGenetics, part of Exact Sciences
Classification: Likely benign for ACACB-related condition. Last evaluated: 2019-03-01. Review status: no assertion criteria provided. Collection method: clinical testing. Allele origin: germline. Not counted in ClinVar's aggregate classification.
Comment: This variant is classified as likely benign based on ACMG/AMP sequence variant interpretation guidelines (Richards et al. 2015 PMID: 25741868, with internal and published modifications).